The following is an entry in ClinVar:

ClinVar aggregate classification (germline): Uncertain significance (1 of 4 stars; one submission).

Submission:

Labcorp Genetics (formerly Invitae), Labcorp
Classification: Uncertain significance. Last evaluated: 2022-05-20. Review status: criteria provided, single submitter. Criteria: Invitae Variant Classification Sherloc (09022015). Collection method: clinical testing. Allele origin: germline.
Comment: This variant, c.7251_7274dup, results in the insertion of 8 amino acid(s) of the PCLO protein (p.Pro2419_Pro2426dup), but otherwise preserves the integrity of the reading frame. This variant is not present in population databases (gnomAD no frequency). This variant has not been reported in the literature in individuals affected with PCLO-related conditions. In summary, the available evidence is currently insufficient to determine the role of this variant in disease. Therefore, it has been classified as a Variant of Uncertain Significance.

NM_033026.6(PCLO):c.7251_7274dup (p.Pro2426_Leu2427insProProProProProProProPro)

Gene: PCLO (piccolo presynaptic cytomatrix protein; minus strand). Cytogenetic location: 7q21.11.
Variant type: Duplication.
Coding change: c.7251_7274dup on transcript NM_033026.6 (MANE Select); coding-DNA positions 7251 to 7274, 24 bases duplicated (TCCACCACCACCCCCTCCTCCCCC).
Protein change: p.Pro2426_Leu2427insProProProProProProProPro.
Molecular consequence: inframe insertion.
Genome position (GRCh38, 1-based): chr7:82,953,679-82,953,702, GGGGGAGGAGGGGGTGGTGGTGGA duplicated on the plus strand (TCCACCACCACCCCCTCCTCCCCC on the coding strand, the reverse complement: PCLO is on the minus strand); duplicating any 24 consecutive bases within chr7:82,953,679-82,953,704 gives the same sequence; the c. name uses the placement nearest the transcript's 3' end. VCF-style (leftmost placement, unchanged base first): chr7-82953678-T-TGGGGGAGGAGGGGGTGGTGGTGGA. GRCh37 (hg19) VCF-style: chr7-82582994-T-TGGGGGAGGAGGGGGTGGTGGTGGA.
Other names: c.7251_7274dup, p.Pro2426_Leu2427insProProProProProProProPro (NM_014510.3).
Identifiers: ClinVar variation 2179485 (VCV002179485.1), dbSNP rs2535696379, ClinGen allele CA1103800152.